The following is an entry in ClinVar:

ClinVar aggregate classification (germline): Conflicting classifications of pathogenicity. Review status: criteria provided, conflicting classifications (1 of 4 stars). 6 submissions from 6 submitters: Uncertain significance (1); Benign (1); Likely benign (3). 1 of the submissions does not count toward it. Last evaluated 2026-01-27.

Conditions:
Inborn genetic diseases. Identifiers: MedGen C0950123, MeSH D030342.
SETBP1-related disorder. Also called: SETBP1-related condition; SETBP1-related disorders.

Allele frequency attached by ClinVar (database versions not stated): gnomAD 0.00005 and 0.00006; TOPMed 0.00006; gnomAD exomes 0.00010 and 0.00011; ExAC 0.00011; ESP Exome Variant Server 0.00015.
gnomAD v4.1: 159 of 1,614,102 alleles (0.0099%); highest among the groups gnomAD compares: Non-Finnish European, 0.012%; no homozygotes.

Submissions (6):

Ambry Genetics
Classification: Likely benign for Inborn genetic diseases. Last evaluated: 2026-01-27. Review status: criteria provided, single submitter. Criteria: Ambry Variant Classification Scheme 2023. Collection method: clinical testing. Allele origin: germline.

Labcorp Genetics (formerly Invitae), Labcorp
Classification: Benign. Last evaluated: 2025-12-03. Review status: criteria provided, single submitter. Criteria: Invitae Variant Classification Sherloc (09022015). Collection method: clinical testing. Allele origin: germline.

Blueprint Genetics
Classification: Likely benign. Last evaluated: 2024-11-06. Review status: criteria provided, single submitter. Criteria: ACMG Guidelines, 2015. Collection method: clinical testing. Allele origin: germline.

CeGaT Center for Human Genetics Tuebingen
Classification: Likely benign. Last evaluated: 2023-08-01. Review status: criteria provided, single submitter. Criteria: CeGaT Center For Human Genetics Tuebingen Variant Classification Criteria Version 2. Collection method: clinical testing. Allele origin: germline. Affected: yes. Observed: 1 variant allele.
Comment: SETBP1: BP4

Revvity Omics, Revvity
Classification: Uncertain significance. Last evaluated: 2021-05-18. Review status: criteria provided, single submitter. Criteria: ACMG Guidelines, 2015. Collection method: clinical testing. Allele origin: germline.

PreventionGenetics, part of Exact Sciences
Classification: Uncertain significance for SETBP1-related condition. Last evaluated: 2024-02-26. Review status: no assertion criteria provided. Collection method: clinical testing. Allele origin: germline. Not counted in ClinVar's aggregate classification.
Comment: The SETBP1 c.3731A>G variant is predicted to result in the amino acid substitution p.Gln1244Arg. To our knowledge, this variant has not been reported in the literature. This variant is reported in 0.018% of alleles in individuals of European (non-Finnish) descent in gnomAD. Although we suspect this variant could be benign, at this time, the clinical significance of this variant is uncertain due to the absence of conclusive functional and genetic evidence.

NM_015559.3(SETBP1):c.3731A>G (p.Gln1244Arg)

Gene: SETBP1 (SET binding protein 1; plus strand). Cytogenetic location: 18q12.3.
Variant type: single nucleotide variant.
Coding change: c.3731A>G on transcript NM_015559.3 (MANE Select); coding-DNA position 3731, A replaced by G.
Protein change: p.Gln1244Arg; replaces glutamine 1244 with arginine.
Molecular consequence: missense variant.
Genome position (GRCh38, 1-based): chr18:44,953,071, A>G. VCF-style: chr18-44953071-A-G. GRCh37 (hg19) VCF-style: chr18-42533036-A-G.
Other names: c.3731A>G, p.Gln1244Arg (NM_001379141.1, NM_001379142.1); c.3731A>G (NM_015559.2); short protein forms Q1244R.
Identifiers: ClinVar variation 1600746 (VCV001600746.37), dbSNP rs201474295, ClinGen allele CA8945971.